The following is an entry in ClinVar:

NM_001042702.5(PJVK):c.156T>G (p.Thr52=)

Gene: PJVK (pejvakin; plus strand). Cytogenetic location: 2q31.2.
Variant type: single nucleotide variant.
Coding change: c.156T>G on transcript NM_001042702.5 (MANE Select); coding-DNA position 156, T replaced by G.
Protein change: p.Thr52=; no amino-acid change (threonine 52 retained).
Molecular consequence: synonymous variant. On other transcripts: 5 prime UTR variant (2).
Genome position (GRCh38, 1-based): chr2:178,453,565, T>G. VCF-style: chr2-178453565-T-G. GRCh37 (hg19) VCF-style: chr2-179318292-T-G.
Other names: c.165T>G, p.Thr55= (NM_001353775.2); c.261T>G, p.Thr87= (NM_001353776.2); c.-322T>G (NM_001353777.1, NM_001353778.2); c.156T>G, p.Thr52= (NM_001369912.1).
Identifiers: ClinVar variation 3383951 (VCV003383951.1).
Genomic context (GRCh38, chr2:178,453,565, plus strand): 5'-ACCTCTAAGTCTGGTGGTAAAAAAGAAGCGATGCTTTCTGTTTCCTAGATATAAATTTAC[T>G]TCAACACCTTTTACACTGAAAGATATTCTCCTAGGAGACAGAGAAATTTCAGCTGGTAAG-3'
Protein context (NP_001036167.1, residues 42-62): RCFLFPRYKF[Thr52=]STPFTLKDIL

ClinVar aggregate classification (germline): Likely pathogenic (0 of 4 stars; one submission).

Conditions:
Autosomal recessive nonsyndromic hearing loss 59. Identifiers: Orphanet 90636, MedGen C1857744, MONDO:0012445, OMIM 610220.

Submission:

Wonkam Laboratory, Johns Hopkins University
Classification: Likely pathogenic for Autosomal recessive nonsyndromic hearing loss 59. Last evaluated: 2024-01-06. Review status: no assertion criteria provided. Collection method: research. Allele origin: biparental. Inheritance: Autosomal recessive inheritance. Affected: yes. Observed: 3 variant alleles. Clinical features observed: Nonsyndromic profound hearing loss.
Comment: The variant NM_001042702.5 c.156T>G is absent from controls in Exome Sequencing Project, 1000 Genomes Project, or Exome Aggregation Consortium (PM2), Cosegregation with disease in multiple affected family members in a gene definitively known to cause the disease (PP1), Patient's phenotype or family history is highly specific for a disease with a single genetic etiology (PP4). This variant was homozygous in only affected individuals